The following is an entry in ClinVar:

ClinVar aggregate classification (germline): Likely benign. Review status: criteria provided, multiple submitters, no conflicts (2 of 4 stars). 3 submissions from 3 submitters: Likely benign (3). Last evaluated 2018-01-13.

Conditions:
Metachromatic leukodystrophy (MLD). Also called: ARSA DEFICIENCY; CEREBROSIDE SULFATASE DEFICIENCY; METACHROMATIC LEUKOENCEPHALOPATHY; SULFATIDE LIPIDOSIS; Cerebral sclerosis diffuse metachromatic form; Arylsulfatase A Deficiency. Identifiers: Orphanet 512, MedGen C0023522, MONDO:0018868, OMIM 250100.

Allele frequency attached by ClinVar (database versions not stated): 1000 Genomes Project 0.01258; 1000 Genomes Project 30x 0.01280; TOPMed 0.02426; gnomAD 0.02754 and 0.02758; gnomAD exomes 0.03556.
gnomAD v4.1: 29,836 of 875,580 alleles (3.4%); highest among the groups gnomAD compares: Non-Finnish European, 3.9%; 640 homozygotes.

Submissions (3):

Illumina Laboratory Services, Illumina
Classification: Likely benign for Metachromatic leukodystrophy. Last evaluated: 2018-01-13. Review status: criteria provided, single submitter. Criteria: ICSL Variant Classification Criteria 13 December 2019. Collection method: clinical testing. Allele origin: germline.
Comment: This variant was observed in the ICSL laboratory as part of a predisposition screen in an ostensibly healthy population. It had not been previously curated by ICSL or reported in the Human Gene Mutation Database (HGMD: prior to June 1st, 2018), and was therefore a candidate for classification through an automated scoring system. Utilizing variant allele frequency, disease prevalence and penetrance estimates, and inheritance mode, an automated score was calculated to assess if this variant is too frequent to cause the disease. Based on the score and internal cut-off values, a variant classified as likely benign is not then subjected to further curation. The score for this variant resulted in a classification of likely benign for this disease.

GeneDx
Classification: Likely benign. Last evaluated: 2017-06-21. Review status: criteria provided, single submitter. Criteria: GeneDx Variant Classification (06012015). Collection method: clinical testing. Allele origin: germline. Affected: yes.
Comment: This variant is considered likely benign or benign based on one or more of the following criteria: it is a conservative change, it occurs at a poorly conserved position in the protein, it is predicted to be benign by multiple in silico algorithms, and/or has population frequency not consistent with disease.

Breakthrough Genomics
Classification: Likely benign. Review status: criteria provided, single submitter. Criteria: ACMG Guidelines, 2015. Collection method: not provided. Allele origin: germline. Inheritance: Autosomal recessive inheritance. Affected: yes.

NM_000487.6(ARSA):c.-136C>G

Gene: ARSA (arylsulfatase A; minus strand). Cytogenetic location: 22q13.33.
Variant type: single nucleotide variant.
Coding change: c.-136C>G on transcript NM_000487.6 (MANE Select); 136 bases upstream of the start codon, C replaced by G.
Molecular consequence: 5 prime UTR variant. On other transcripts: intron variant (4).
Genome position (GRCh38, 1-based): chr22:50,627,915, G>C on the plus strand (C>G on the coding strand, the complement: ARSA is on the minus strand). VCF-style: chr22-50627915-G-C. GRCh37 (hg19) VCF-style: chr22-51066343-G-C.
Other names: c.-31C>G (NM_001085425.3); c.-35+76C>G (NM_001362782.2); c.-14+76C>G (NM_001085427.3); c.-35+31C>G (NM_001085428.3); c.-14+31C>G (NM_001085426.3).
Identifiers: ClinVar variation 342244 (VCV000342244.6), dbSNP rs6151408, ClinGen allele CA10645806.